The following is an entry in ClinVar:

NM_015409.5(EP400):c.1332C>T (p.Asp444=)

Gene: EP400 (E1A binding protein p400; plus strand). Cytogenetic location: 12q24.33.
Variant type: single nucleotide variant.
Coding change: c.1332C>T on transcript NM_015409.5 (MANE Select); coding-DNA position 1332, C replaced by T.
Protein change: p.Asp444=; no amino-acid change (aspartic acid 444 retained).
Molecular consequence: synonymous variant.
Genome position (GRCh38, 1-based): chr12:131,961,951, C>T. VCF-style: chr12-131961951-C-T. GRCh37 (hg19) VCF-style: chr12-132446496-C-T.
Identifiers: ClinVar variation 3044439 (VCV003044439.2), dbSNP rs760125901, ClinGen allele CA482842917.

ClinVar aggregate classification (germline): Likely benign (0 of 4 stars; one submission).

Conditions:
EP400-related disorder. Also called: EP400-related condition.

Allele frequency attached by ClinVar (database versions not stated): gnomAD 0.00001.
gnomAD v4.1: 11 of 1,609,896 alleles (0.00068%); highest among the groups gnomAD compares: South Asian, 0.0055%; no homozygotes.

Submission:

PreventionGenetics, part of Exact Sciences
Classification: Likely benign for EP400-related condition. Last evaluated: 2022-04-27. Review status: no assertion criteria provided. Collection method: clinical testing. Allele origin: germline.
Comment: This variant is classified as likely benign based on ACMG/AMP sequence variant interpretation guidelines (Richards et al. 2015 PMID: 25741868, with internal and published modifications).